The following is an entry in ClinVar:

NM_002907.4(RECQL):c.868-3T>C

Gene: RECQL (RecQ like helicase; minus strand). Cytogenetic location: 12p12.1.
Variant type: single nucleotide variant.
Coding change: c.868-3T>C on transcript NM_002907.4 (MANE Select); 3 bases into the intron before coding-DNA position 868, T replaced by C.
Molecular consequence: intron variant.
Genome position (GRCh38, 1-based): chr12:21,476,995, A>G on the plus strand (T>C on the coding strand, the complement: RECQL is on the minus strand). VCF-style: chr12-21476995-A-G. GRCh37 (hg19) VCF-style: chr12-21629929-A-G.
Other names: c.868-3T>C (NM_032941.3).
Identifiers: ClinVar variation 2428233 (VCV002428233.6), dbSNP rs1943099559, ClinGen allele CA2580085311.
Genomic context (GRCh38, chr12:21,476,995, plus strand): 5'-TAATGAGCTTTACAATATCCTCAATAAAATCTTCAGTGTTTGAGGGCTTCTGCCGAACCT[A>G]AAAAAAACTTAACTTATTAAAAAGTAAATGAATGAGTACCATCCAAGTGGCTGTCTATGT-3'

ClinVar aggregate classification (germline): Uncertain significance (1 of 4 stars; one submission).

Submission:

Labcorp Genetics (formerly Invitae), Labcorp
Classification: Uncertain significance. Last evaluated: 2022-09-09. Review status: criteria provided, single submitter. Criteria: Invitae Variant Classification Sherloc (09022015). Collection method: clinical testing. Allele origin: germline.
Comment: This sequence change falls in intron 7 of the RECQL gene. It does not directly change the encoded amino acid sequence of the RECQL protein. It affects a nucleotide within the consensus splice site. This variant is not present in population databases (gnomAD no frequency). This variant has not been reported in the literature in individuals affected with RECQL-related conditions. Variants that disrupt the consensus splice site are a relatively common cause of aberrant splicing (PMID: 17576681, 9536098). Algorithms developed to predict the effect of sequence changes on RNA splicing suggest that this variant is not likely to affect RNA splicing. In summary, the available evidence is currently insufficient to determine the role of this variant in disease. Therefore, it has been classified as a Variant of Uncertain Significance.

Literature cited by the submitters: PubMed 17576681; PubMed 9536098.